The following is an entry in ClinVar:

NM_000163.5(GHR):c.55T>C (p.Phe19Leu)

Gene: GHR (growth hormone receptor; plus strand). Cytogenetic location: 5p12.
Variant type: single nucleotide variant.
Coding change: c.55T>C on transcript NM_000163.5 (MANE Select); coding-DNA position 55, T replaced by C.
Protein change: p.Phe19Leu; replaces phenylalanine 19 with leucine.
Molecular consequence: missense variant.
Genome position (GRCh38, 1-based): chr5:42,565,929, T>C. VCF-style: chr5-42565929-T-C. GRCh37 (hg19) VCF-style: chr5-42566031-T-C.
Other names: c.76T>C, p.Phe26Leu (NM_001242399.2); c.55T>C, p.Phe19Leu (NM_001242400.2, NM_001242401.4, NM_001242402.2 and 6 more transcripts); short protein forms F19L, F26L.
Identifiers: ClinVar variation 4697860 (VCV004697860.1).

ClinVar aggregate classification (germline): Uncertain significance (1 of 4 stars; one submission).

gnomAD v4.1: 17 of 1,613,930 alleles (0.0011%); highest among the groups gnomAD compares: Non-Finnish European, 0.0014%; no homozygotes.

Submission:

Labcorp Genetics (formerly Invitae), Labcorp
Classification: Uncertain significance. Last evaluated: 2026-01-01. Review status: criteria provided, single submitter. Criteria: Invitae Variant Classification Sherloc (09022015). Collection method: clinical testing. Allele origin: germline.
Comment: This sequence change replaces phenylalanine, which is neutral and non-polar, with leucine, which is neutral and non-polar, at codon 19 of the GHR protein (p.Phe19Leu). This variant is present in population databases (no rsID available, gnomAD 0.0009%). This variant has not been reported in the literature in individuals affected with GHR-related conditions. Invitae Evidence Modeling of protein sequence and biophysical properties (such as structural, functional, and spatial information, amino acid conservation, physicochemical variation, residue mobility, and thermodynamic stability) indicates that this missense variant is not expected to disrupt GHR protein function with a negative predictive value of 80%. In summary, the available evidence is currently insufficient to determine the role of this variant in disease. Therefore, it has been classified as a Variant of Uncertain Significance.